The following is an entry in ClinVar:

ClinVar aggregate classification (germline): Uncertain significance. Review status: criteria provided, multiple submitters, no conflicts (2 of 4 stars). 2 submissions from 2 submitters: Uncertain significance (2). Last evaluated 2023-05-02.

Conditions:
Hereditary cancer-predisposing syndrome. Also called: Hereditary neoplastic syndrome; Neoplastic Syndromes, Hereditary; Tumor predisposition; Hereditary Cancer Syndrome. Identifiers: Orphanet 140162, MedGen C0027672, MeSH D009386, MONDO:0015356.
Familial adenomatous polyposis 1 (FAP1). Also called: FAMILIAL ADENOMATOUS POLYPOSIS 1, ATTENUATED; POLYPOSIS, ADENOMATOUS INTESTINAL. Identifiers: MedGen C2713442, MONDO:0021056, OMIM 175100. Disease mechanism: loss of function.

Submissions (2):

Ambry Genetics
Classification: Uncertain significance for Hereditary cancer-predisposing syndrome. Last evaluated: 2023-05-02. Review status: criteria provided, single submitter. Criteria: Ambry Variant Classification Scheme 2023. Collection method: clinical testing. Allele origin: germline.
Comment: The p.L2092I variant (also known as c.6274C>A), located in coding exon 15 of the APC gene, results from a C to A substitution at nucleotide position 6274. The leucine at codon 2092 is replaced by isoleucine, an amino acid with highly similar properties. This amino acid position is conserved. In addition, in silico predictors for this gene do not accurately predict pathogenicity. Since supporting evidence is limited at this time, the clinical significance of this alteration remains unclear.

Labcorp Genetics (formerly Invitae), Labcorp
Classification: Uncertain significance for Familial adenomatous polyposis 1. Last evaluated: 2022-02-09. Review status: criteria provided, single submitter. Criteria: Invitae Variant Classification Sherloc (09022015). Collection method: clinical testing. Allele origin: germline.
Comment: In summary, the available evidence is currently insufficient to determine the role of this variant in disease. Therefore, it has been classified as a Variant of Uncertain Significance. Algorithms developed to predict the effect of missense changes on protein structure and function (SIFT, PolyPhen-2, Align-GVGD) all suggest that this variant is likely to be tolerated. This sequence change replaces leucine, which is neutral and non-polar, with isoleucine, which is neutral and non-polar, at codon 2092 of the APC protein (p.Leu2092Ile). This variant is not present in population databases (gnomAD no frequency). This variant has not been reported in the literature in individuals affected with APC-related conditions.

NM_000038.6(APC):c.6274C>A (p.Leu2092Ile)

Gene: APC (APC regulator of Wnt signaling pathway; plus strand). Cytogenetic location: 5q22.2.
Variant type: single nucleotide variant.
Coding change: c.6274C>A on transcript NM_000038.6 (MANE Select); coding-DNA position 6274, C replaced by A.
Protein change: p.Leu2092Ile; replaces leucine 2092 with isoleucine.
Molecular consequence: missense variant.
Genome position (GRCh38, 1-based): chr5:112,841,868, C>A. VCF-style: chr5-112841868-C-A. GRCh37 (hg19) VCF-style: chr5-112177565-C-A.
Other names: c.6274C>A (NM_000038.5); c.6274C>A, p.Leu2092Ile (NM_001127510.3, NM_001354895.2, NM_001407450.1); c.6220C>A, p.Leu2074Ile (NM_001127511.3); c.6328C>A, p.Leu2110Ile (NM_001354896.2, NM_001407447.1, NM_001407448.1 and 1 more transcripts); c.6304C>A, p.Leu2102Ile (NM_001354897.2); c.6199C>A, p.Leu2067Ile (NM_001354898.2); c.6190C>A, p.Leu2064Ile (NM_001354899.2); c.6151C>A, p.Leu2051Ile (NM_001354900.2); and 12 more; short protein forms L1809I, L1963I, L1991I, L2033I, L2064I, L2110I, L1966I, L2074I.
Identifiers: ClinVar variation 2095677 (VCV002095677.6), dbSNP rs930830740, ClinGen allele CA16035069.
Genomic context (GRCh38, chr5:112,841,868, plus strand): 5'-TTAGGTGAAGATCTGACACTTGATTTGAAAGATATACAGAGACCAGATTCAGAACATGGT[C>A]TATCCCCTGATTCAGAAAATTTTGATTGGAAAGCTATTCAGGAAGGTGCAAATTCCATAG-3'
Protein context (NP_000029.2, residues 2082-2102): DIQRPDSEHG[Leu2092Ile]SPDSENFDWK